The following is an entry in ClinVar:

ClinVar aggregate classification (germline): Uncertain significance (1 of 4 stars; one submission).

Conditions:
Inborn genetic diseases. Identifiers: MedGen C0950123, MeSH D030342.

gnomAD v4.1: 5 of 1,614,142 alleles (0.00031%); highest among the groups gnomAD compares: Non-Finnish European, 0.00042%; no homozygotes.

Submission:

Ambry Genetics
Classification: Uncertain significance for Inborn genetic diseases. Last evaluated: 2022-11-11. Review status: criteria provided, single submitter. Criteria: Ambry Variant Classification Scheme 2023. Collection method: clinical testing. Allele origin: germline.
Comment: The p.C2247R variant (also known as c.6739T>C), located in coding exon 45 of the LRRK2 gene, results from a T to C substitution at nucleotide position 6739. The cysteine at codon 2247 is replaced by arginine, an amino acid with highly dissimilar properties. This amino acid position is conserved. In addition, the in silico prediction for this alteration is inconclusive. Since supporting evidence is limited at this time, the clinical significance of this alteration remains unclear.

NM_198578.4(LRRK2):c.6739T>C (p.Cys2247Arg)

Gene: LRRK2 (leucine rich repeat kinase 2; plus strand). Cytogenetic location: 12q12.
Variant type: single nucleotide variant.
Coding change: c.6739T>C on transcript NM_198578.4 (MANE Select); coding-DNA position 6739, T replaced by C.
Protein change: p.Cys2247Arg; replaces cysteine 2247 with arginine.
Molecular consequence: missense variant.
Genome position (GRCh38, 1-based): chr12:40,354,461, T>C. VCF-style: chr12-40354461-T-C. GRCh37 (hg19) VCF-style: chr12-40748263-T-C.
Other names: short protein forms C2247R.
Identifiers: ClinVar variation 2489309 (VCV002489309.2), dbSNP rs2499993915, ClinGen allele CA384409538.